The following is an entry in ClinVar:

ClinVar aggregate classification (germline): Uncertain significance (1 of 4 stars; one submission).

gnomAD v4.1: 1 of 1,611,934 alleles (0.000062%); no homozygotes.

Submission:

Ambry Genetics
Classification: Uncertain significance. Last evaluated: 2025-06-13. Review status: criteria provided, single submitter. Criteria: Ambry Variant Classification Scheme 2023. Collection method: clinical testing. Allele origin: germline.
Comment: The p.D246N variant (also known as c.736G>A), located in coding exon 8 of the FAM175A gene, results from a G to A substitution at nucleotide position 736. The aspartic acid at codon 246 is replaced by asparagine, an amino acid with highly similar properties. This amino acid position is conserved. In addition, this alteration is predicted to be tolerated by in silico analysis. Since supporting evidence is limited at this time, the clinical significance of this alteration remains unclear.

NM_139076.3(ABRAXAS1):c.736G>A (p.Asp246Asn)

Gene: ABRAXAS1 (abraxas 1, BRCA1 A complex subunit; minus strand). Cytogenetic location: 4q21.23.
Variant type: single nucleotide variant.
Coding change: c.736G>A on transcript NM_139076.3 (MANE Select); coding-DNA position 736, G replaced by A.
Protein change: p.Asp246Asn; replaces aspartic acid 246 with asparagine.
Molecular consequence: missense variant.
Genome position (GRCh38, 1-based): chr4:83,463,554, C>T on the plus strand (G>A on the coding strand, the complement: ABRAXAS1 is on the minus strand). VCF-style: chr4-83463554-C-T. GRCh37 (hg19) VCF-style: chr4-84384707-C-T.
Other names: c.409G>A, p.Asp137Asn (NM_001345962.2); short protein forms D246N, D137N.
Identifiers: ClinVar variation 2560574 (VCV002560574.3), dbSNP rs2529422024, ClinGen allele CA357256894.
Genomic context (GRCh38, chr4:83,463,554, plus strand): 5'-TTGCTGCCTGAATCTGTGCTCCTCTCCTTTTCTCAATTTCTCGTTTTAATCTGTTTACAT[C>T]CTTTACTAGTTTATCTACTGCTTGTTCACTGTCTTCCACTTTTTTGCATATACTCTGCAA-3'
Protein context (NP_620775.2, residues 236-256): SEQAVDKLVK[Asp246Asn]VNRLKREIEK